The following is an entry in ClinVar:

ClinVar aggregate classification (germline): Conflicting classifications of pathogenicity. Review status: criteria provided, conflicting classifications (1 of 4 stars). 5 submissions from 5 submitters: Uncertain significance (4); Likely benign (1). Last evaluated 2025-08-25.

Conditions:
Hereditary cancer-predisposing syndrome. Also called: Neoplastic Syndromes, Hereditary; Hereditary Cancer Syndrome; Tumor predisposition; Hereditary neoplastic syndrome. Identifiers: Orphanet 140162, MedGen C0027672, MeSH D009386, MONDO:0015356.
Familial adenomatous polyposis 2. Also called: MUTYH-associated polyposis; MUTYH Polyposis; FAP type 2; Adenomas, multiple colorectal; COLORECTAL ADENOMATOUS POLYPOSIS, AUTOSOMAL RECESSIVE; ADENOMAS, MULTIPLE COLORECTAL, AUTOSOMAL RECESSIVE. Identifiers: Orphanet 220460, Orphanet 247798, MedGen C3272841, MONDO:0012041, OMIM 608456.

Allele frequency attached by ClinVar (database versions not stated): gnomAD exomes below 0.00001 and 0.00001; TOPMed below 0.00001; ExAC 0.00001; gnomAD 0.00001.
gnomAD v4.1: 4 of 1,614,072 alleles (0.00025%); highest among the groups gnomAD compares: African/African-American, 0.0053%; no homozygotes.

Submissions (5):

Labcorp Genetics (formerly Invitae), Labcorp
Classification: Uncertain significance for Familial adenomatous polyposis 2. Last evaluated: 2025-08-25. Review status: criteria provided, single submitter. Criteria: Invitae Variant Classification Sherloc (09022015). Collection method: clinical testing. Allele origin: germline.
Comment: This sequence change replaces arginine, which is basic and polar, with histidine, which is basic and polar, at codon 309 of the MUTYH protein (p.Arg309His). This variant is present in population databases (rs587782727, gnomAD 0.007%). This variant has not been reported in the literature in individuals affected with MUTYH-related conditions. ClinVar contains an entry for this variant (Variation ID: 142801). An algorithm developed to predict the effect of missense changes on protein structure and function outputs the following: PolyPhen-2: "Benign". The histidine amino acid residue is found in multiple mammalian species, which suggests that this missense change does not adversely affect protein function. In summary, the available evidence is currently insufficient to determine the role of this variant in disease. Therefore, it has been classified as a Variant of Uncertain Significance.

Center for Genomic Medicine, Rigshospitalet, Copenhagen University Hospital
Classification: Uncertain significance. Last evaluated: 2025-03-04. Review status: criteria provided, single submitter. Criteria: ACMG Guidelines, 2015. Collection method: clinical testing. Allele origin: germline.

All of Us Research Program, National Institutes of Health
Classification: Uncertain significance for Familial adenomatous polyposis 2. Last evaluated: 2024-05-14. Review status: criteria provided, single submitter. Criteria: ACMG Guidelines, 2015. Collection method: clinical testing. Allele origin: germline. Inheritance: Autosomal recessive inheritance. Observed: 1 variant allele, 1 heterozygote.
Comment: This missense variant replaces arginine with histidine at codon 309 of the MUTYH protein. Computational prediction suggests that this variant may not impact protein structure and function (internally defined REVEL score threshold <= 0.5, PMID: 27666373). To our knowledge, functional studies have not been reported for this variant. This variant has not been reported in individuals affected with hereditary cancer in the literature. This variant has been identified in 3/251328 chromosomes in the general population by the Genome Aggregation Database (gnomAD). The available evidence is insufficient to determine the role of this variant in disease conclusively. Therefore, this variant is classified as a Variant of Uncertain Significance.

This study involves interpretation of variants in research participants for the purpose of population health screening. Participant phenotype was not available at the time of variant classification. Additional details can be found in publication PMID: 35346344, PMCID: PMC8962531

Ambry Genetics
Classification: Likely benign for Hereditary cancer-predisposing syndrome. Last evaluated: 2022-07-06. Review status: criteria provided, single submitter. Criteria: Ambry Variant Classification Scheme 2023. Collection method: clinical testing. Allele origin: germline.

Color Diagnostics, LLC DBA Color Health
Classification: Uncertain significance for Hereditary cancer-predisposing syndrome. Last evaluated: 2020-07-13. Review status: criteria provided, single submitter. Criteria: ACMG Guidelines, 2015. Collection method: clinical testing. Allele origin: germline.
Comment: This missense variant replaces arginine with histidine at codon 309 of the MUTYH protein. Computational prediction suggests that this variant may not impact protein structure and function (internally defined REVEL score threshold <= 0.5, PMID: 27666373). To our knowledge, functional studies have not been reported for this variant. This variant has not been reported in individuals affected with hereditary cancer in the literature. This variant has been identified in 3/251328 chromosomes in the general population by the Genome Aggregation Database (gnomAD). The available evidence is insufficient to determine the role of this variant in disease conclusively. Therefore, this variant is classified as a Variant of Uncertain Significance.

NM_001048174.2(MUTYH):c.842G>A (p.Arg281His)

Gene: MUTYH (mutY DNA glycosylase; minus strand). Cytogenetic location: 1p34.1.
Variant type: single nucleotide variant.
Coding change: c.842G>A on transcript NM_001048174.2 (MANE Select); coding-DNA position 842, G replaced by A.
Protein change: p.Arg281His; replaces arginine 281 with histidine.
Molecular consequence: missense variant. On other transcripts: non-coding transcript variant (2).
Genome position (GRCh38, 1-based): chr1:45,332,173, C>T on the plus strand (G>A on the coding strand, the complement: MUTYH is on the minus strand). VCF-style: chr1-45332173-C-T. GRCh37 (hg19) VCF-style: chr1-45797845-C-T.
Other names: c.842G>A, p.Arg281His (NM_001048171.2, NM_001048173.2, NM_001293195.2); c.845G>A, p.Arg282His (NM_001048172.2); c.926G>A, p.Arg309His (NM_001128425.2); c.887G>A, p.Arg296His (NM_001293190.2); c.875G>A, p.Arg292His (NM_001293191.2); c.566G>A, p.Arg189His (NM_001293192.2, NM_001293196.2); c.497G>A, p.Arg166His (NM_001350650.2, NM_001350651.2); c.917G>A, p.Arg306His (NM_012222.3); short protein forms R309H, R292H, R189H, R296H, R306H, R281H, R282H, R166H.
Identifiers: ClinVar variation 142801 (VCV000142801.16), dbSNP rs587782727, ClinGen allele CA014653.